The following is an entry in ClinVar:

NM_021930.6(RINT1):c.2152C>G (p.His718Asp)

Genes: EFCAB10 (EF-hand calcium binding domain 10; minus strand), RINT1 (RAD50 interactor 1; plus strand). Cytogenetic location: 7q22.3.
Variant type: single nucleotide variant.
Coding change: c.2152C>G on transcript NM_021930.6 (MANE Select); coding-DNA position 2152, C replaced by G.
Protein change: p.His718Asp; replaces histidine 718 with aspartic acid.
Molecular consequence: missense variant. On other transcripts: non-coding transcript variant (1), intron variant (2).
Genome position (GRCh38, 1-based): chr7:105,565,614, C>G. VCF-style: chr7-105565614-C-G. GRCh37 (hg19) VCF-style: chr7-105206061-C-G.
Other names: c.385G>C, p.Glu129Gln (NM_001355530.2); c.1918C>G, p.His640Asp (NM_001346599.2); c.1129C>G, p.His377Asp (NM_001346600.2, NM_001346603.2); c.1228C>G, p.His410Asp (NM_001346601.2); c.360-167G>C (NM_001355531.2); c.384-167G>C (NM_001355526.2); short protein forms E129Q, H377D, H410D, H640D, H718D.
Identifiers: ClinVar variation 1062973 (VCV001062973.12), dbSNP rs2133481242, ClinGen allele CA368815256.

ClinVar aggregate classification (germline): Uncertain significance. Review status: criteria provided, multiple submitters, no conflicts (2 of 4 stars). 2 submissions from 2 submitters: Uncertain significance (2). Last evaluated 2024-10-19.

gnomAD v4.1: 1 of 1,612,960 alleles (0.000062%); highest among the groups gnomAD compares: Non-Finnish European, 0.000085%; no homozygotes.

Submissions (2):

Ambry Genetics
Classification: Uncertain significance. Last evaluated: 2024-10-19. Review status: criteria provided, single submitter. Criteria: Ambry Variant Classification Scheme 2023. Collection method: clinical testing. Allele origin: germline.
Comment: The p.H718D variant (also known as c.2152C>G), located in coding exon 14 of the RINT1 gene, results from a C to G substitution at nucleotide position 2152. The histidine at codon 718 is replaced by aspartic acid, an amino acid with similar properties. This amino acid position is conserved. In addition, this alteration is predicted to be deleterious by in silico analysis. Since supporting evidence is limited at this time, the clinical significance of this alteration remains unclear.

Labcorp Genetics (formerly Invitae), Labcorp
Classification: Uncertain significance. Last evaluated: 2024-04-22. Review status: criteria provided, single submitter. Criteria: Invitae Variant Classification Sherloc (09022015). Collection method: clinical testing. Allele origin: germline.
Comment: This sequence change replaces histidine, which is basic and polar, with aspartic acid, which is acidic and polar, at codon 718 of the RINT1 protein (p.His718Asp). This variant is not present in population databases (gnomAD no frequency). This variant has not been reported in the literature in individuals affected with RINT1-related conditions. ClinVar contains an entry for this variant (Variation ID: 1062973). An algorithm developed to predict the effect of missense changes on protein structure and function (PolyPhen-2) suggests that this variant is likely to be tolerated. In summary, the available evidence is currently insufficient to determine the role of this variant in disease. Therefore, it has been classified as a Variant of Uncertain Significance.